The following is an entry in ClinVar:

NM_006397.3(RNASEH2A):c.549+1G>A

Gene: RNASEH2A (ribonuclease H2 subunit A; plus strand). Cytogenetic location: 19p13.13.
Variant type: single nucleotide variant.
Coding change: c.549+1G>A on transcript NM_006397.3 (MANE Select); the canonical splice donor site of the intron after coding-DNA position 549, G replaced by A.
Molecular consequence: splice donor variant.
Genome position (GRCh38, 1-based): chr19:12,810,209, G>A. VCF-style: chr19-12810209-G-A. GRCh37 (hg19) VCF-style: chr19-12921023-G-A.
Identifiers: ClinVar variation 2769892 (VCV002769892.3), dbSNP rs1969053208, ClinGen allele CA404267230.

ClinVar aggregate classification (germline): Likely pathogenic (1 of 4 stars; one submission).

Conditions:
Aicardi-Goutieres syndrome 4. Identifiers: Orphanet 51, MedGen C1835912, MONDO:0012472, OMIM 610333.

Allele frequency attached by ClinVar (database versions not stated): gnomAD exomes below 0.00001; TOPMed below 0.00001.
gnomAD v4.1: 5 of 1,614,232 alleles (0.00031%); highest among the groups gnomAD compares: African/African-American, 0.0013%; no homozygotes.

Submission:

Labcorp Genetics (formerly Invitae), Labcorp
Classification: Likely pathogenic for Aicardi-Goutieres syndrome 4. Last evaluated: 2023-11-24. Review status: criteria provided, single submitter. Criteria: Invitae Variant Classification Sherloc (09022015). Collection method: clinical testing. Allele origin: germline.
Comment: This sequence change affects a donor splice site in intron 5 of the RNASEH2A gene. It is expected to disrupt RNA splicing. Variants that disrupt the donor or acceptor splice site typically lead to a loss of protein function (PMID: 16199547), and loss-of-function variants in RNASEH2A are known to be pathogenic (PMID: 21454563, 25274781). This variant is not present in population databases (gnomAD no frequency). This variant has not been reported in the literature in individuals affected with RNASEH2A-related conditions. Algorithms developed to predict the effect of sequence changes on RNA splicing suggest that this variant may disrupt the consensus splice site. In summary, the currently available evidence indicates that the variant is pathogenic, but additional data are needed to prove that conclusively. Therefore, this variant has been classified as Likely Pathogenic.

Literature cited by the submitters: PubMed 16199547; PubMed 21454563; PubMed 25274781.